The following is an entry in ClinVar:

ClinVar aggregate classification (germline): Uncertain significance. Review status: criteria provided, single submitter (1 of 4 stars). 2 submissions from 2 submitters: Uncertain significance (1). 1 of the submissions does not count toward it. Last evaluated 2021-11-11.

Conditions:
Pyruvate dehydrogenase E3 deficiency (DLDD). Also called: Dihydrolipoamide Dehydrogenase E3 Deficiency; DLD DEFICIENCY; E3 DEFICIENCY; Dihydrolipoamide Dehydrogenase (E3) Deficiency; Lipoamide dehydrogenase deficiency; MAPLE SYRUP URINE DISEASE, TYPE III. Identifiers: Orphanet 2394, Orphanet 765, MedGen C5574660, MONDO:0009529, OMIM 246900.

Allele frequency attached by ClinVar (database versions not stated): gnomAD exomes 0.00001.
gnomAD v4.1: 3 of 1,613,136 alleles (0.00019%); highest among the groups gnomAD compares: Admixed American, 0.005%; no homozygotes.

Submissions (2):

Labcorp Genetics (formerly Invitae), Labcorp
Classification: Uncertain significance for Pyruvate dehydrogenase E3 deficiency. Last evaluated: 2021-11-11. Review status: criteria provided, single submitter. Criteria: Invitae Variant Classification Sherloc (09022015). Collection method: clinical testing. Allele origin: germline.
Comment: This sequence change replaces glycine, which is neutral and non-polar, with alanine, which is neutral and non-polar, at codon 64 of the DLD protein (p.Gly64Ala). This variant is not present in population databases (gnomAD no frequency). This variant has not been reported in the literature in individuals affected with DLD-related conditions. ClinVar contains an entry for this variant (Variation ID: 990102). Algorithms developed to predict the effect of missense changes on protein structure and function (SIFT, PolyPhen-2, Align-GVGD) all suggest that this variant is likely to be disruptive. In summary, the available evidence is currently insufficient to determine the role of this variant in disease. Therefore, it has been classified as a Variant of Uncertain Significance.

Natera, Inc.
Classification: Uncertain significance for Maple syrup urine disease type 3. Last evaluated: 2020-08-13. Review status: no assertion criteria provided. Collection method: clinical testing. Allele origin: germline. Not counted in ClinVar's aggregate classification.

NM_000108.5(DLD):c.191G>C (p.Gly64Ala)

Gene: DLD (dihydrolipoamide dehydrogenase; plus strand). Cytogenetic location: 7q31.1.
Variant type: single nucleotide variant.
Coding change: c.191G>C on transcript NM_000108.5 (MANE Select); coding-DNA position 191, G replaced by C.
Protein change: p.Gly64Ala; replaces glycine 64 with alanine.
Molecular consequence: missense variant. On other transcripts: intron variant (1).
Genome position (GRCh38, 1-based): chr7:107,901,810, G>C. VCF-style: chr7-107901810-G-C. GRCh37 (hg19) VCF-style: chr7-107542255-G-C.
Other names: c.191G>C, p.Gly64Ala (NM_001289751.1, NM_001289752.1); c.-30-1668G>C (NM_001289750.1); short protein forms G64A.
Identifiers: ClinVar variation 990102 (VCV000990102.4), dbSNP rs2031883055, ClinGen allele CA368854809.